The following is an entry in ClinVar:

NM_024334.3(TMEM43):c.236del (p.Ser79fs)

Gene: TMEM43 (transmembrane protein 43; plus strand). Cytogenetic location: 3p25.1.
Variant type: Deletion.
Coding change: c.236del on transcript NM_024334.3 (MANE Select); coding-DNA position 236, one base deleted (G; older notation c.236delG).
Protein change: p.Ser79fs; shifts the reading frame from serine 79.
Molecular consequence: frameshift variant.
Genome position (GRCh38, 1-based): chr3:14,130,895, G deleted. VCF-style (leftmost placement, unchanged base first): chr3-14130894-AG-A. GRCh37 (hg19) VCF-style: chr3-14172394-AG-A.
Other names: c.236delG, p.Ser79Metfs (NM_001407274.1, NM_001407275.1, NM_001407276.1 and 2 more transcripts); c.221delG, p.Ser74Metfs (NM_001407278.1); c.86delG, p.Ser29Metfs (NM_001407280.1); short protein forms S79fs.
Identifiers: ClinVar variation 2149109 (VCV002149109.4), dbSNP rs2470179644, ClinGen allele CA2580068499.
Genomic context (GRCh38, chr3:14,130,894, plus strand): 5'-AAGACGGCAACCTCATTGGCTGAGGGGCTCTCGCTTGTGGTGTCTCCCGACAGCATCCAC[AG>A]TGTGGCTCCGGAGAATGAAGGAAGGCTGGTGCACATCATTGGCGCCTTACGGACATCCAA-3'

ClinVar aggregate classification (germline): Uncertain significance (1 of 4 stars; one submission).

Conditions:
Arrhythmogenic right ventricular dysplasia 5. Also called: Arrhythmogenic Right Ventricular Dysplasia/Cardiomyopathy 5; ARRHYTHMOGENIC RIGHT VENTRICULAR DYSPLASIA, FAMILIAL, 5. Identifiers: MedGen C1858379, MONDO:0011459, OMIM 604400.

Submission:

Labcorp Genetics (formerly Invitae), Labcorp
Classification: Uncertain significance for Arrhythmogenic right ventricular dysplasia 5. Last evaluated: 2022-11-28. Review status: criteria provided, single submitter. Criteria: Invitae Variant Classification Sherloc (09022015). Collection method: clinical testing. Allele origin: germline.
Comment: This sequence change creates a premature translational stop signal (p.Ser79Metfs*35) in the TMEM43 gene. It is expected to result in an absent or disrupted protein product. However, the current clinical and genetic evidence is not sufficient to establish whether loss-of-function variants in TMEM43 cause disease. This variant is not present in population databases (gnomAD no frequency). This variant has not been reported in the literature in individuals affected with TMEM43-related conditions. In summary, the available evidence is currently insufficient to determine the role of this variant in disease. Therefore, it has been classified as a Variant of Uncertain Significance.